The following is an entry in ClinVar:

ClinVar aggregate classification (germline): Uncertain significance. Review status: criteria provided, multiple submitters, no conflicts (2 of 4 stars). 4 submissions from 4 submitters: Uncertain significance (3). 1 of the submissions does not count toward it. Last evaluated 2024-05-01.

Conditions:
Glycogen storage disease, type V (GSD5). Also called: MCARDLE DISEASE; MUSCLE GLYCOGEN PHOSPHORYLASE DEFICIENCY; MYOPHOSPHORYLASE DEFICIENCY; PYGM DEFICIENCY; McArdle type glycogen storage disease. Identifiers: Orphanet 368, MedGen C0017924, MONDO:0009293, OMIM 232600.

Allele frequency attached by ClinVar (database versions not stated): TOPMed 0.00004; 1000 Genomes Project 30x 0.00016; 1000 Genomes Project 0.00020.
gnomAD v4.1: 32 of 1,613,998 alleles (0.002%); highest among the groups gnomAD compares: Admixed American, 0.0083%; no homozygotes.

Submissions (4):

Fulgent Genetics
Classification: Uncertain significance for Glycogen storage disease, type V. Last evaluated: 2024-05-01. Review status: criteria provided, single submitter. Criteria: ACMG Guidelines, 2015. Collection method: clinical testing. Allele origin: germline.

Labcorp Genetics (formerly Invitae), Labcorp
Classification: Uncertain significance for Glycogen storage disease, type V. Last evaluated: 2022-10-03. Review status: criteria provided, single submitter. Criteria: Invitae Variant Classification Sherloc (09022015). Collection method: clinical testing. Allele origin: germline.
Comment: This sequence change replaces arginine, which is basic and polar, with tryptophan, which is neutral and slightly polar, at codon 771 of the PYGM protein (p.Arg771Trp). This variant is present in population databases (rs369382075, gnomAD 0.01%). This variant has not been reported in the literature in individuals affected with PYGM-related conditions. ClinVar contains an entry for this variant (Variation ID: 305267). Algorithms developed to predict the effect of missense changes on protein structure and function are either unavailable or do not agree on the potential impact of this missense change (SIFT: "Not Available"; PolyPhen-2: "Probably Damaging"; Align-GVGD: "Not Available"). In summary, the available evidence is currently insufficient to determine the role of this variant in disease. Therefore, it has been classified as a Variant of Uncertain Significance.

Illumina Laboratory Services, Illumina
Classification: Uncertain significance for Glycogen storage disease, type V. Last evaluated: 2018-01-13. Review status: criteria provided, single submitter. Criteria: ICSL Variant Classification Criteria 13 December 2019. Collection method: clinical testing. Allele origin: germline.

Natera, Inc.
Classification: Uncertain significance for Glycogen storage disease V. Last evaluated: 2019-10-28. Review status: no assertion criteria provided. Collection method: clinical testing. Allele origin: germline. Not counted in ClinVar's aggregate classification.

NM_005609.4(PYGM):c.2311C>T (p.Arg771Trp)

Gene: PYGM (glycogen phosphorylase, muscle associated; minus strand). Cytogenetic location: 11q13.1.
Variant type: single nucleotide variant.
Coding change: c.2311C>T on transcript NM_005609.4 (MANE Select); coding-DNA position 2311, C replaced by T.
Protein change: p.Arg771Trp; replaces arginine 771 with tryptophan.
Molecular consequence: missense variant.
Genome position (GRCh38, 1-based): chr11:64,747,225, G>A on the plus strand (C>T on the coding strand, the complement: PYGM is on the minus strand). VCF-style: chr11-64747225-G-A. GRCh37 (hg19) VCF-style: chr11-64514697-G-A.
Other names: c.2047C>T, p.Arg683Trp (NM_001164716.1); short protein forms R771W, R683W.
Identifiers: ClinVar variation 305267 (VCV000305267.11), dbSNP rs369382075, ClinGen allele CA6079572.